The following is an entry in ClinVar:

NM_014846.4(WASHC5):c.1188G>C (p.Lys396Asn)

Gene: WASHC5 (WASH complex subunit 5; minus strand). Cytogenetic location: 8q24.13.
Variant type: single nucleotide variant.
Coding change: c.1188G>C on transcript NM_014846.4 (MANE Select); coding-DNA position 1188, G replaced by C.
Protein change: p.Lys396Asn; replaces lysine 396 with asparagine.
Molecular consequence: missense variant.
Genome position (GRCh38, 1-based): chr8:125,067,682, C>G on the plus strand (G>C on the coding strand, the complement: WASHC5 is on the minus strand). VCF-style: chr8-125067682-C-G. GRCh37 (hg19) VCF-style: chr8-126079924-C-G.
Other names: c.744G>C, p.Lys248Asn (NM_001330609.2); short protein forms K248N, K396N.
Identifiers: ClinVar variation 2031254 (VCV002031254.4), dbSNP rs2537358439, ClinGen allele CA372193779.

ClinVar aggregate classification (germline): Uncertain significance (1 of 4 stars; one submission).

Conditions:
Hereditary spastic paraplegia 8 (SPG8). Also called: SPASTIC PARAPLEGIA 8, AUTOSOMAL DOMINANT. Identifiers: Orphanet 100989, MedGen C1863704, MONDO:0011339, OMIM 603563.
Ritscher-Schinzel syndrome. Also called: CRANIOCEREBELLOCARDIAC DYSPLASIA. Identifiers: Orphanet 7, MedGen C0796137, MONDO:0019078.

Submission:

Labcorp Genetics (formerly Invitae), Labcorp
Classification: Uncertain significance for Ritscher-Schinzel syndrome; Hereditary spastic paraplegia 8. Last evaluated: 2024-10-16. Review status: criteria provided, single submitter. Criteria: Invitae Variant Classification Sherloc (09022015). Collection method: clinical testing. Allele origin: germline.
Comment: This sequence change replaces lysine, which is basic and polar, with asparagine, which is neutral and polar, at codon 396 of the WASHC5 protein (p.Lys396Asn). This variant is not present in population databases (gnomAD no frequency). This variant has not been reported in the literature in individuals affected with WASHC5-related conditions. ClinVar contains an entry for this variant (Variation ID: 2031254). Invitae Evidence Modeling of protein sequence and biophysical properties (such as structural, functional, and spatial information, amino acid conservation, physicochemical variation, residue mobility, and thermodynamic stability) indicates that this missense variant is not expected to disrupt WASHC5 protein function with a negative predictive value of 80%. In summary, the available evidence is currently insufficient to determine the role of this variant in disease. Therefore, it has been classified as a Variant of Uncertain Significance.